The following is an entry in ClinVar:

NM_001035.3(RYR2):c.3502A>G (p.Met1168Val)

Gene: RYR2 (ryanodine receptor 2; plus strand). Cytogenetic location: 1q43.
Variant type: single nucleotide variant.
Coding change: c.3502A>G on transcript NM_001035.3 (MANE Select); coding-DNA position 3502, A replaced by G.
Protein change: p.Met1168Val; replaces methionine 1168 with valine.
Molecular consequence: missense variant.
Genome position (GRCh38, 1-based): chr1:237,569,223, A>G. VCF-style: chr1-237569223-A-G. GRCh37 (hg19) VCF-style: chr1-237732523-A-G.
Other names: short protein forms M1168V.
Identifiers: ClinVar variation 1355328 (VCV001355328.7), dbSNP rs1217551741, ClinGen allele CA345390306.

ClinVar aggregate classification (germline): Uncertain significance (1 of 4 stars; one submission).

Conditions:
Catecholaminergic polymorphic ventricular tachycardia 1. Also called: RYR2-Related Catecholaminergic Polymorphic Ventricular Tachycardia; VENTRICULAR TACHYCARDIA, CATECHOLAMINERGIC POLYMORPHIC, 1, WITH OR WITHOUT ATRIAL DYSFUNCTION AND/OR DILATED CARDIOMYOPATHY; VENTRICULAR TACHYCARDIA, STRESS-INDUCED POLYMORPHIC 1. Identifiers: Orphanet 3286, MedGen C1631597, MONDO:0011484, OMIM 604772.

Submission:

Labcorp Genetics (formerly Invitae), Labcorp
Classification: Uncertain significance for Catecholaminergic polymorphic ventricular tachycardia 1. Last evaluated: 2021-10-24. Review status: criteria provided, single submitter. Criteria: Invitae Variant Classification Sherloc (09022015). Collection method: clinical testing. Allele origin: germline.
Comment: In summary, the available evidence is currently insufficient to determine the role of this variant in disease. Therefore, it has been classified as a Variant of Uncertain Significance. Advanced modeling of protein sequence and biophysical properties (such as structural, functional, and spatial information, amino acid conservation, physicochemical variation, residue mobility, and thermodynamic stability) performed at Invitae indicates that this missense variant is not expected to disrupt RYR2 protein function. This variant has not been reported in the literature in individuals affected with RYR2-related conditions. This variant is not present in population databases (gnomAD no frequency). This sequence change replaces methionine, which is neutral and non-polar, with valine, which is neutral and non-polar, at codon 1168 of the RYR2 protein (p.Met1168Val).